The following is an entry in ClinVar:

NM_000537.4(REN):c.77C>T (p.Thr26Ile)

Genes: REN (renin; minus strand), LOC107548112 (REN promoter and enhancer region; plus strand). Cytogenetic location: 1q32.1.
Variant type: single nucleotide variant.
Coding change: c.77C>T on transcript NM_000537.4 (MANE Select); coding-DNA position 77, C replaced by T.
Protein change: p.Thr26Ile; replaces threonine 26 with isoleucine.
Molecular consequence: missense variant.
Genome position (GRCh38, 1-based): chr1:204,166,217, G>A on the plus strand (C>T on the coding strand, the complement: REN is on the minus strand). VCF-style: chr1-204166217-G-A. GRCh37 (hg19) VCF-style: chr1-204135345-G-A.
Other names: short protein forms T26I.
Identifiers: ClinVar variation 2098110 (VCV002098110.4), dbSNP rs2527501083, ClinGen allele CA344342970.

ClinVar aggregate classification (germline): Likely pathogenic (1 of 4 stars; one submission).

Submission:

Labcorp Genetics (formerly Invitae), Labcorp
Classification: Likely pathogenic. Last evaluated: 2022-04-02. Review status: criteria provided, single submitter. Criteria: Invitae Variant Classification Sherloc (09022015). Collection method: clinical testing. Allele origin: germline.
Comment: This missense change has been observed in individuals with REN-related conditions (PMID: 32750457). It has also been observed to segregate with disease in related individuals. In summary, the currently available evidence indicates that the variant is pathogenic, but additional data are needed to prove that conclusively. Therefore, this variant has been classified as Likely Pathogenic. Experimental studies have shown that this missense change affects REN function (PMID: 32750457). Algorithms developed to predict the effect of missense changes on protein structure and function (SIFT, PolyPhen-2, Align-GVGD) all suggest that this variant is likely to be tolerated. This variant is not present in population databases (gnomAD no frequency). This sequence change replaces threonine, which is neutral and polar, with isoleucine, which is neutral and non-polar, at codon 26 of the REN protein (p.Thr26Ile).

Literature cited by the submitters: PubMed 32750457.